The following is an entry in ClinVar:

ClinVar aggregate classification (germline): Uncertain significance (1 of 4 stars; one submission).

gnomAD v4.1: 1 of 1,614,062 alleles (0.000062%); highest among the groups gnomAD compares: South Asian, 0.0011%; no homozygotes.

Submission:

Ambry Genetics
Classification: Uncertain significance. Last evaluated: 2025-01-21. Review status: criteria provided, single submitter. Criteria: Ambry Variant Classification Scheme 2023. Collection method: clinical testing. Allele origin: germline.
Comment: The p.G349V variant (also known as c.1046G>T), located in coding exon 1 of the TET2 gene, results from a G to T substitution at nucleotide position 1046. The glycine at codon 349 is replaced by valine, an amino acid with dissimilar properties. This amino acid position is conserved. In addition, this alteration is predicted to be tolerated by in silico analysis. Based on the available evidence, the clinical significance of this variant remains unclear.

NM_001127208.3(TET2):c.1046G>T (p.Gly349Val)

Genes: TET2 (tet methylcytosine dioxygenase 2; plus strand), TET2-AS1 (TET2 antisense RNA 1; minus strand). Cytogenetic location: 4q24.
Variant type: single nucleotide variant.
Coding change: c.1046G>T on transcript NM_001127208.3 (MANE Select); coding-DNA position 1046, G replaced by T.
Protein change: p.Gly349Val; replaces glycine 349 with valine.
Molecular consequence: missense variant.
Genome position (GRCh38, 1-based): chr4:105,234,988, G>T. VCF-style: chr4-105234988-G-T. GRCh37 (hg19) VCF-style: chr4-106156145-G-T.
Other names: c.1046G>T, p.Gly349Val (NM_017628.4); short protein forms G349V.
Identifiers: ClinVar variation 3805986 (VCV003805986.1).
Genomic context (GRCh38, chr4:105,234,988, plus strand): 5'-TTGAGATATGCCCATCTCCTGCAGAAAATAACATCCAGGGAACCACAAAGCTAGCGTCTG[G>T]TGAAGAATTCTGTTCAGGTTCCAGCAGCAATTTGCAAGCTCCTGGTGGCAGCTCTGAACG-3'
Protein context (NP_001120680.1, residues 339-359): NIQGTTKLAS[Gly349Val]EEFCSGSSSN